The following is an entry in ClinVar:

NM_052876.4(NACC1):c.623C>T (p.Thr208Met)

Gene: NACC1 (nucleus accumbens associated 1; plus strand). Cytogenetic location: 19p13.13.
Variant type: single nucleotide variant.
Coding change: c.623C>T on transcript NM_052876.4 (MANE Select); coding-DNA position 623, C replaced by T.
Protein change: p.Thr208Met; replaces threonine 208 with methionine.
Molecular consequence: missense variant.
Genome position (GRCh38, 1-based): chr19:13,135,830, C>T. VCF-style: chr19-13135830-C-T. GRCh37 (hg19) VCF-style: chr19-13246644-C-T.
Other names: c.623C>T (NM_052876.2); short protein forms T208M.
Identifiers: ClinVar variation 674312 (VCV000674312.11), dbSNP rs928740437, ClinGen allele CA305553071.

ClinVar aggregate classification (germline): Conflicting classifications of pathogenicity. Review status: criteria provided, conflicting classifications (1 of 4 stars). 4 submissions from 4 submitters: Uncertain significance (1); Likely benign (2). 1 of the submissions does not count toward it. Last evaluated 2024-06-26.

Conditions:
Microcephaly. Also called: Microcephaly (disease). Identifiers: MedGen C4551563, MONDO:0001149, HP:0000252.
Inborn genetic diseases. Identifiers: MedGen C0950123, MeSH D030342.

Allele frequency attached by ClinVar (database versions not stated): gnomAD exomes 0.00001 and 0.00002; gnomAD 0.00002; TOPMed 0.00002.

Submissions (4):

Labcorp Genetics (formerly Invitae), Labcorp
Classification: Likely benign. Last evaluated: 2024-06-26. Review status: criteria provided, single submitter. Criteria: Invitae Variant Classification Sherloc (09022015). Collection method: clinical testing. Allele origin: germline.

Ambry Genetics
Classification: Uncertain significance for Inborn genetic diseases. Last evaluated: 2024-03-04. Review status: criteria provided, single submitter. Criteria: Ambry Variant Classification Scheme 2023. Collection method: clinical testing. Allele origin: germline.

GeneDx
Classification: Likely benign. Last evaluated: 2018-10-08. Review status: criteria provided, single submitter. Criteria: GeneDx Variant Classification (06012015). Collection method: clinical testing. Allele origin: germline. Affected: yes.
Comment: This variant is considered likely benign or benign based on one or more of the following criteria: it is a conservative change, it occurs at a poorly conserved position in the protein, it is predicted to be benign by multiple in silico algorithms, and/or has population frequency not consistent with disease.

Department of Pediatrics, Samsung Medical Center, Samsung Medical Center
Classification: Uncertain significance for Microcephaly. Review status: no assertion criteria provided. Criteria: ACMG Guidelines, 2015. Collection method: research. Allele origin: germline. Affected: yes. Not counted in ClinVar's aggregate classification.